The following is an entry in ClinVar:

NM_007103.3(NDUFV1):c.-74T>C

Genes: NDUFV1 (NADH:ubiquinone oxidoreductase core subunit V1; plus strand), LOC130006217 (ATAC-STARR-seq lymphoblastoid active region 5114; plus strand). Cytogenetic location: 11q13.2.
Variant type: single nucleotide variant.
Coding change: c.-74T>C on transcript NM_007103.3; 74 bases upstream of the start codon, T replaced by C.
Genome position (GRCh38, 1-based): chr11:67,606,931, T>C. VCF-style: chr11-67606931-T-C. GRCh37 (hg19) VCF-style: chr11-67374402-T-C.
Identifiers: ClinVar variation 877316 (VCV000877316.9), dbSNP rs373383800, ClinGen allele CA224171197.

ClinVar aggregate classification (germline): Conflicting classifications of pathogenicity. Review status: criteria provided, conflicting classifications (1 of 4 stars). 3 submissions from 2 submitters: Uncertain significance (1); Likely benign (2). Last evaluated 2018-07-09.

Conditions:
Leigh syndrome (NULS). Also called: Leigh's syndrome; Leigh Disease; Subacute necrotizing encephalopathy; Necrotizing encephalopathy infantile subacute of Leigh; LEIGH SYNDROME, NUCLEAR; Leigh's necrotizing encephalopathy. Identifiers: Orphanet 506, MedGen C2931891, MONDO:0009723, OMIM 256000.
Mitochondrial complex I deficiency, nuclear type 1. Also called: NADH-COENZYME Q REDUCTASE DEFICIENCY; MITOCHONDRIAL NADH DEHYDROGENASE COMPONENT OF COMPLEX I, DEFICIENCY OF. Identifiers: MedGen C6022305, MONDO:0100224, OMIM 252010.

Allele frequency attached by ClinVar (database versions not stated): 1000 Genomes Project 0.00559; 1000 Genomes Project 30x 0.00609; gnomAD 0.00728 and 0.00682; TOPMed 0.00769.

Submissions (3):

GeneDx
Classification: Likely benign. Last evaluated: 2018-07-09. Review status: criteria provided, single submitter. Criteria: GeneDx Variant Classification Process June 2021. Collection method: clinical testing. Allele origin: germline. Affected: yes.

Illumina Laboratory Services, Illumina
Classification: Likely benign for Leigh syndrome. Last evaluated: 2018-01-13. Review status: criteria provided, single submitter. Criteria: ICSL Variant Classification Criteria 13 December 2019. Collection method: clinical testing. Allele origin: germline.
Comment: This variant was observed in the ICSL laboratory as part of a predisposition screen in an ostensibly healthy population. It had not been previously curated by ICSL or reported in the Human Gene Mutation Database (HGMD: prior to June 1st, 2018), and was therefore a candidate for classification through an automated scoring system. Utilizing variant allele frequency, disease prevalence and penetrance estimates, and inheritance mode, an automated score was calculated to assess if this variant is too frequent to cause the disease. Based on the score and internal cut-off values, a variant classified as likely benign is not then subjected to further curation. The score for this variant resulted in a classification of likely benign for this disease.

Illumina Laboratory Services, Illumina
Classification: Uncertain significance for Mitochondrial complex I deficiency, nuclear type 1. Last evaluated: 2018-01-13. Review status: criteria provided, single submitter. Criteria: ICSL Variant Classification Criteria 13 December 2019. Collection method: clinical testing. Allele origin: germline.